The following is an entry in ClinVar:

ClinVar aggregate classification (germline): Uncertain significance (1 of 4 stars; one submission).

Submission:

Dasa
Classification: Uncertain significance. Last evaluated: 2025-11-25. Review status: criteria provided, single submitter. Criteria: DASA Assertion Criteria. Collection method: clinical testing. Allele origin: germline.
Comment: NM_000163.5(GHR):c.245T>A (p.Ile82Lys) is a missense variant that results in the substitution of isoleucine with lysine. This variant is absent from population databases. Computational prediction algorithms are consistent with a deleterious effect. The currently available literature and clinical evidence are not sufficient to establish a definitive association between this variant and the reported condition. Therefore, this variant is classified as a variant of uncertain significance.

NM_000163.5(GHR):c.245T>A (p.Ile82Lys)

Gene: GHR (growth hormone receptor; plus strand). Cytogenetic location: 5p12.
Variant type: single nucleotide variant.
Coding change: c.245T>A on transcript NM_000163.5 (MANE Select); coding-DNA position 245, T replaced by A.
Protein change: p.Ile82Lys; replaces isoleucine 82 with lysine.
Molecular consequence: missense variant.
Genome position (GRCh38, 1-based): chr5:42,688,998, T>A. VCF-style: chr5-42688998-T-A. GRCh37 (hg19) VCF-style: chr5-42689100-T-A.
Other names: c.266T>A, p.Ile89Lys (NM_001242399.2); c.245T>A, p.Ile82Lys (NM_001242400.2, NM_001242401.4, NM_001242402.2 and 5 more transcripts); c.179T>A, p.Ile60Lys (NM_001242460.2); short protein forms I60K, I82K, I89K.
Identifiers: ClinVar variation 4881102 (VCV004881102.2).